The following is an entry in ClinVar:

NM_004006.3(DMD):c.94-9T>A

Gene: DMD (dystrophin; minus strand). Cytogenetic location: Xp21.1.
Variant type: single nucleotide variant.
Coding change: c.94-9T>A on transcript NM_004006.3 (MANE Select); 9 bases into the intron before coding-DNA position 94, T replaced by A.
Molecular consequence: intron variant.
Genome position (GRCh38, 1-based): chrX:32,849,829, A>T on the plus strand (T>A on the coding strand, the complement: DMD is on the minus strand). VCF-style: chrX-32849829-A-T. GRCh37 (hg19) VCF-style: chrX-32867946-A-T.
Other names: p.?; c.70-9T>A (NM_000109.4); c.82-9T>A (NM_004009.3); c.-276-9T>A (NM_004010.3).
Identifiers: ClinVar variation 377773 (VCV000377773.23), dbSNP rs3764764, ClinGen allele CA10380257.

ClinVar aggregate classification (germline): Benign/Likely benign. Review status: criteria provided, multiple submitters, no conflicts (2 of 4 stars). 8 submissions from 8 submitters: Benign (4); Likely benign (3). 1 of the submissions does not count toward it. Last evaluated 2026-01-28.

Conditions:
Dystrophin deficiency.
Cardiomyopathy (CMYO). Also called: Cardiomyopathies. Identifiers: Orphanet 167848, MedGen C0878544, MONDO:0004994, HP:0001638. Inheritance: Various modes of inheritance.
Duchenne muscular dystrophy (DMD). Also called: MUSCULAR DYSTROPHY, PSEUDOHYPERTROPHIC PROGRESSIVE, DUCHENNE TYPE; Duchenne Muscular Dystrophy (DMD). Identifiers: Orphanet 98896, MedGen C0013264, MONDO:0010679, OMIM 310200.
Becker muscular dystrophy (BMD). Also called: Becker Muscular Dystrophy (BMD); MUSCULAR DYSTROPHY, PSEUDOHYPERTROPHIC PROGRESSIVE, BECKER TYPE. Identifiers: Orphanet 98895, MedGen C0917713, MONDO:0010311, OMIM 300376.

Allele frequency attached by ClinVar (database versions not stated): gnomAD exomes 0.00023 and 0.00073; gnomAD 0.00032 and 0.00035; TOPMed 0.00040; ExAC 0.00076; 1000 Genomes Project 0.00079.
gnomAD v4.1: 264 of 1,093,641 alleles (0.024%); highest among the groups gnomAD compares: East Asian, 0.25%; 2 homozygotes.

Submissions (8):

Labcorp Genetics (formerly Invitae), Labcorp
Classification: Benign for Duchenne muscular dystrophy. Last evaluated: 2026-01-28. Review status: criteria provided, single submitter. Criteria: Invitae Variant Classification Sherloc (09022015). Collection method: clinical testing. Allele origin: germline.

Mayo Clinic Laboratories, Mayo Clinic
Classification: Benign. Last evaluated: 2025-05-20. Review status: criteria provided, single submitter. Criteria: ACMG Guidelines, 2015. Collection method: clinical testing. Allele origin: germline. Observed: 1 variant allele.
Comment: BS1, BS2, BP4, BP7

ARUP Laboratories, Molecular Genetics and Genomics, ARUP Laboratories
Classification: Likely benign. Last evaluated: 2024-08-07. Review status: criteria provided, single submitter. Criteria: ARUP Molecular Germline Variant Investigation Process 2024. Collection method: clinical testing. Allele origin: germline.

Blueprint Genetics
Classification: Likely benign. Last evaluated: 2024-07-15. Review status: criteria provided, single submitter. Criteria: ACMG Guidelines, 2015. Collection method: clinical testing. Allele origin: germline.

Women's Health and Genetics/Laboratory Corporation of America, LabCorp
Classification: Benign. Last evaluated: 2024-03-12. Review status: criteria provided, single submitter. Criteria: LabCorp Variant Classification Summary - May 2015. Collection method: clinical testing. Allele origin: germline.

GeneDx
Classification: Benign. Last evaluated: 2019-03-27. Review status: criteria provided, single submitter. Criteria: GeneDx Variant Classification Process June 2021. Collection method: clinical testing. Allele origin: germline. Affected: yes.

Eurofins Ntd Llc (ga)
Classification: Likely benign. Last evaluated: 2018-06-01. Review status: criteria provided, single submitter. Criteria: EGL ClinVar v180209 classification definitions. Collection method: clinical testing. Allele origin: germline. Observed: 1 variant allele, 1 hemizygote.

Natera, Inc.
Classification: Likely benign for Becker muscular dystrophy; Cardiomyopathy; Duchenne muscular dystrophy; Dystrophin deficiency. Last evaluated: 2019-06-19. Review status: no assertion criteria provided. Collection method: clinical testing. Allele origin: germline. Not counted in ClinVar's aggregate classification.